The following is an entry in ClinVar:

NM_000168.6(GLI3):c.1464_1489dup (p.Leu497fs)

Gene: GLI3 (GLI family zinc finger 3; minus strand). Cytogenetic location: 7p14.1.
Variant type: Duplication.
Coding change: c.1464_1489dup on transcript NM_000168.6 (MANE Select); coding-DNA positions 1464 to 1489, 26 bases duplicated (GAGGGAGTTCGACACCCAAGAGCAGC).
Protein change: p.Leu497fs; shifts the reading frame from leucine 497.
Molecular consequence: frameshift variant.
Genome position (GRCh38, 1-based): chr7:42,023,476-42,023,501, GCTGCTCTTGGGTGTCGAACTCCCTC duplicated on the plus strand (GAGGGAGTTCGACACCCAAGAGCAGC on the coding strand, the reverse complement: GLI3 is on the minus strand); duplicating any 26 consecutive bases within chr7:42,023,476-42,023,503 gives the same sequence; the c. name uses the placement nearest the transcript's 3' end. VCF-style (leftmost placement, unchanged base first): chr7-42023475-A-AGCTGCTCTTGGGTGTCGAACTCCCTC. GRCh37 (hg19) VCF-style: chr7-42063074-A-AGCTGCTCTTGGGTGTCGAACTCCCTC.
Other names: c.1464_1489dupGAGGGAGTTCGACACCCAAGAGCAGC (NM_000168.5); short protein forms L497fs.
Identifiers: ClinVar variation 419567 (VCV000419567.2), dbSNP rs1554314581, ClinGen allele CA16618464.
Genomic context (GRCh38, chr7:42,023,475, plus strand): 5'-CTGGAAAGTGTCACAGAGCTGTAAAGCTCGGTTCCTGAATACCATCCACTTACGTGCACA[A>AGCTGCTCTTGGGTGTCGAACTCCCTC]GCTGCTCTTGGGTGTCGAACTCCCTCGCGCAGCCTTCCCAGTGGCAGTTTGTCTCATAGA-3'

ClinVar aggregate classification (germline): Pathogenic (1 of 4 stars; one submission).

Submission:

GeneDx
Classification: Pathogenic. Last evaluated: 2015-07-20. Review status: criteria provided, single submitter. Criteria: GeneDx Variant Classification (06012015). Collection method: clinical testing. Allele origin: germline. Affected: yes.
Comment: The c.1464_1489dup26 duplication in the GLI3 gene has not been reported previously as a pathogenic variant nor as a benign polymorphism, to our knowledge. The c.1464_1489dup26 variant causes a frameshift starting with codon Leucine 497, changes this amino acid to an Arginine residue, and creates a premature Stop codon at position 14 of the new reading frame, denoted p.Leu497ArgfsX14. This duplication is predicted to cause loss of normal protein function either through protein truncation or nonsense-mediated mRNA decay. Frameshift and other protein truncating variant downstream of this duplication have been reported in the Human Gene Mutation Database in association with GLI3-related disorders (Stenson et al., 2014), supporting the pathogenicity of more upstream truncating variants. The c.1464_1489dup26 duplication was not observed in approximately 6500 individuals of European and African American ancestry in the NHLBI Exome Sequencing Project, indicating it is not a common benign variant in these populations. We interpret c.1464_1489dup26 as a pathogenic variant.